The following is an entry in ClinVar:

ClinVar aggregate classification (germline): Conflicting classifications of pathogenicity. Review status: criteria provided, conflicting classifications (1 of 4 stars). 3 submissions from 3 submitters: Uncertain significance (2); Likely benign (1). Last evaluated 2026-06-16.

Conditions:
PLS1-related disorder. Also called: PLS1-related condition.
Inborn genetic diseases. Identifiers: MedGen C0950123, MeSH D030342.
Hearing loss, autosomal dominant 76. Also called: DEAFNESS, AUTOSOMAL DOMINANT 76. Identifiers: MedGen C5394080, MONDO:0032917, OMIM 618787.

Allele frequency attached by ClinVar (database versions not stated): gnomAD 0.00001; gnomAD exomes 0.00001; ExAC 0.00003; TOPMed 0.00003.
gnomAD v4.1: 21 of 1,613,154 alleles (0.0013%); highest among the groups gnomAD compares: East Asian, 0.042%; no homozygotes.

Submissions (3):

PreventionGenetics, part of Exact Sciences
Classification: Likely benign for PLS1-related condition. Last evaluated: 2026-06-16. Review status: criteria provided, single submitter. Criteria: ACMG Guidelines, 2015. Collection method: clinical testing. Allele origin: germline.
Comment: This variant is classified as likely benign based on ACMG/AMP sequence variant interpretation guidelines (Richards et al. 2015 PMID: 25741868, with internal and published modifications).

Ambry Genetics
Classification: Uncertain significance for Inborn genetic diseases. Last evaluated: 2022-05-13. Review status: criteria provided, single submitter. Criteria: Ambry Variant Classification Scheme 2023. Collection method: clinical testing. Allele origin: germline.

Juno Genomics, Hangzhou Juno Genomics, Inc
Classification: Uncertain significance for Hearing loss, autosomal dominant 76. Review status: criteria provided, single submitter. Criteria: ACMG Guidelines, 2015. Collection method: clinical testing. Allele origin: germline.
Comment: Absent from controls (or at extremely low frequency if recessive) in Genome Aggregation Database.;Multiple lines of computational evidence support a deleterious effect on the gene or gene product.

NM_001145319.2(PLS1):c.1811A>G (p.Asp604Gly)

Gene: PLS1 (plastin 1; plus strand). Cytogenetic location: 3q23.
Variant type: single nucleotide variant.
Coding change: c.1811A>G on transcript NM_001145319.2 (MANE Select); coding-DNA position 1811, A replaced by G.
Protein change: p.Asp604Gly; replaces aspartic acid 604 with glycine.
Molecular consequence: missense variant.
Genome position (GRCh38, 1-based): chr3:142,711,928, A>G. VCF-style: chr3-142711928-A-G. GRCh37 (hg19) VCF-style: chr3-142430770-A-G.
Other names: c.1811A>G, p.Asp604Gly (NM_001172312.2, NM_002670.3); c.1811A>G (NM_001145319.1); short protein forms D604G.
Identifiers: ClinVar variation 2289631 (VCV002289631.4), dbSNP rs764235919, ClinGen allele CA2651424.